The following is an entry in ClinVar:

NM_004113.6(FGF12):c.163G>A (p.Ala55Thr)

Gene: FGF12 (fibroblast growth factor 12; minus strand). Cytogenetic location: 3q28.
Variant type: single nucleotide variant.
Coding change: c.163G>A on transcript NM_004113.6 (MANE Select); coding-DNA position 163, G replaced by A.
Protein change: p.Ala55Thr; replaces alanine 55 with threonine.
Molecular consequence: missense variant.
Genome position (GRCh38, 1-based): chr3:192,335,426, C>T on the plus strand (G>A on the coding strand, the complement: FGF12 is on the minus strand). VCF-style: chr3-192335426-C-T. GRCh37 (hg19) VCF-style: chr3-192053215-C-T.
Other names: c.349G>A (NM_021032.4); c.52G>A, p.Ala18Thr (NM_001377292.1); c.91G>A, p.Ala31Thr (NM_001377293.1, NM_001377294.1); c.349G>A, p.Ala117Thr (NM_021032.5); short protein forms A31T, A55T, A117T, A18T.
Identifiers: ClinVar variation 1437285 (VCV001437285.9), dbSNP rs1352370070, ClinGen allele CA355866444.

ClinVar aggregate classification (germline): Conflicting classifications of pathogenicity. Review status: criteria provided, conflicting classifications (1 of 4 stars). 4 submissions from 4 submitters: Uncertain significance (3); Likely benign (1). Last evaluated 2025-05-07.

Conditions:
Inborn genetic diseases. Identifiers: MedGen C0950123, MeSH D030342.

Allele frequency attached by ClinVar (database versions not stated): gnomAD 0.00001; TOPMed 0.00001; gnomAD exomes 0.00002 and 0.00004.
gnomAD v4.1: 25 of 1,612,928 alleles (0.0015%); highest among the groups gnomAD compares: South Asian, 0.0099%; no homozygotes.

Submissions (4):

GeneDx
Classification: Uncertain significance. Last evaluated: 2025-05-07. Review status: criteria provided, single submitter. Criteria: GeneDx Variant Classification Process June 2021. Collection method: clinical testing. Allele origin: germline. Affected: yes.
Comment: In silico analysis suggests that this missense variant does not alter protein structure/function; Has not been previously published as pathogenic or benign to our knowledge

Labcorp Genetics (formerly Invitae), Labcorp
Classification: Uncertain significance. Last evaluated: 2025-03-11. Review status: criteria provided, single submitter. Criteria: Invitae Variant Classification Sherloc (09022015). Collection method: clinical testing. Allele origin: germline.
Comment: This sequence change replaces alanine, which is neutral and non-polar, with threonine, which is neutral and polar, at codon 117 of the FGF12 protein (p.Ala117Thr). This variant is present in population databases (no rsID available, gnomAD 0.02%). This variant has not been reported in the literature in individuals affected with FGF12-related conditions. ClinVar contains an entry for this variant (Variation ID: 1437285). Invitae Evidence Modeling of protein sequence and biophysical properties (such as structural, functional, and spatial information, amino acid conservation, physicochemical variation, residue mobility, and thermodynamic stability) indicates that this missense variant is not expected to disrupt FGF12 protein function with a negative predictive value of 80%. In summary, the available evidence is currently insufficient to determine the role of this variant in disease. Therefore, it has been classified as a Variant of Uncertain Significance.

Blueprint Genetics
Classification: Likely benign. Last evaluated: 2023-05-19. Review status: criteria provided, single submitter. Criteria: ACMG Guidelines, 2015. Collection method: clinical testing. Allele origin: germline.

Ambry Genetics
Classification: Uncertain significance for Inborn genetic diseases. Last evaluated: 2021-04-20. Review status: criteria provided, single submitter. Criteria: Ambry Variant Classification Scheme 2023. Collection method: clinical testing. Allele origin: germline.
Comment: The c.349G>A (p.A117T) alteration is located in exon 3 (coding exon 3) of the FGF12 gene. This alteration results from a G to A substitution at nucleotide position 349, causing the alanine (A) at amino acid position 117 to be replaced by a threonine (T). The in silico prediction for the p.A117T alteration is inconclusive. Based on insufficient or conflicting evidence, the clinical significance of this alteration remains unclear.